The following is an entry in ClinVar:

NM_012144.4(DNAI1):c.47A>G (p.Gln16Arg)

Gene: DNAI1 (dynein axonemal intermediate chain 1; plus strand). Cytogenetic location: 9p13.3.
Variant type: single nucleotide variant.
Coding change: c.47A>G on transcript NM_012144.4 (MANE Select); coding-DNA position 47, A replaced by G.
Protein change: p.Gln16Arg; replaces glutamine 16 with arginine.
Molecular consequence: missense variant.
Genome position (GRCh38, 1-based): chr9:34,459,052, A>G. VCF-style: chr9-34459052-A-G. GRCh37 (hg19) VCF-style: chr9-34459050-A-G.
Other names: c.47A>G, p.Gln16Arg (NM_001281428.2); short protein forms Q16R.
Identifiers: ClinVar variation 228610 (VCV000228610.24), dbSNP rs148701985, ClinGen allele CA5033878.

ClinVar aggregate classification (germline): Conflicting classifications of pathogenicity. Review status: criteria provided, conflicting classifications (1 of 4 stars). 6 submissions from 6 submitters: Uncertain significance (2); Likely benign (3). 1 of the submissions does not count toward it. Last evaluated 2026-06-23.

Conditions:
DNAI1-related disorder. Also called: DNAI1-related condition.
Primary ciliary dyskinesia. Also called: Ciliary dyskinesia. Identifiers: Orphanet 244, MedGen C0008780, MONDO:0016575, HP:0012265.

Allele frequency attached by ClinVar (database versions not stated): gnomAD exomes 0.00012 and 0.00034; 1000 Genomes Project 0.00040; ExAC 0.00043; 1000 Genomes Project 30x 0.00047; gnomAD 0.00128 and 0.00146; TOPMed 0.00165; ESP Exome Variant Server 0.00192.
gnomAD v4.1: 380 of 1,614,108 alleles (0.024%); highest among the groups gnomAD compares: African/African-American, 0.46%; 2 homozygotes.

Submissions (7):

GeneDx
Classification: Uncertain significance. Last evaluated: 2026-06-23. Review status: criteria provided, single submitter. Criteria: GeneDx Variant Classification Process June 2021. Collection method: clinical testing. Allele origin: germline.
Comment: Reported as a heterozygous variant in a patient with chronic or frequent respiratory infections in the published literature; however, a second variant in DNAI1 was not reported (PMID: 34768622); In silico analysis suggests that this missense variant does not alter protein structure/function, but splice predictors indicate that the variant may lead to abnormal gene splicing; This variant is associated with the following publications: (PMID: 34768622)

Labcorp Genetics (formerly Invitae), Labcorp
Classification: Likely benign for Primary ciliary dyskinesia. Last evaluated: 2026-01-13. Review status: criteria provided, single submitter. Criteria: Invitae Variant Classification Sherloc (09022015). Collection method: clinical testing. Allele origin: germline.

Ambry Genetics
Classification: Likely benign for Primary ciliary dyskinesia. Last evaluated: 2024-06-06. Review status: criteria provided, single submitter. Criteria: Ambry Variant Classification Scheme 2023. Collection method: clinical testing. Allele origin: germline.

Blueprint Genetics
Classification: Likely benign. Last evaluated: 2024-03-05. Review status: criteria provided, single submitter. Criteria: ACMG Guidelines, 2015. Collection method: clinical testing. Allele origin: germline.

Laboratory for Molecular Medicine, Mass General Brigham Personalized Medicine
Classification: Uncertain significance. Last evaluated: 2015-12-23. Review status: criteria provided, single submitter. Criteria: LMM Criteria. Collection method: clinical testing. Allele origin: germline. Observed: 1 variant allele.
Comment: Variant classified as Uncertain Significance - Favor Benign. The p.Gln16Arg vari ant in DNAI1 has not been previously reported in individuals with pulmonary dise ase, but has been identified in 0.45% (47/10368) of African chromosomes by the E xome Aggregation Consortium (ExAC; dbSNP rs14870 1985). Computational prediction tools and conservation analysis suggest that the p.Gln16Arg variant may not impact the protein, though this information is not p redictive enough to rule out pathogenicity. In summary, while the clinical signi ficance of the p.Gln16Arg variant is uncertain, its frequency suggests that it i s more likely to be benign.

PreventionGenetics, part of Exact Sciences
Classification: Likely benign for DNAI1-related condition. Last evaluated: 2023-03-27. Review status: no assertion criteria provided. Collection method: clinical testing. Allele origin: germline. Not counted in ClinVar's aggregate classification.
Comment: This variant is classified as likely benign based on ACMG/AMP sequence variant interpretation guidelines (Richards et al. 2015 PMID: 25741868, with internal and published modifications).

Dr. Peter K. Rogan Lab, Western University
No classification provided (evidence only). Condition: Familial cancer of breast. Review status: no classification provided. Collection method: in vitro. Allele origin: not applicable. Functional consequence: retained intron. Not counted in ClinVar's aggregate classification.